The following is an entry in ClinVar:

NM_002666.5(PLIN1):c.255A>G (p.Thr85=)

Gene: PLIN1 (perilipin 1; minus strand). Cytogenetic location: 15q26.1.
Variant type: single nucleotide variant.
Coding change: c.255A>G on transcript NM_002666.5 (MANE Select); coding-DNA position 255, A replaced by G.
Protein change: p.Thr85=; no amino-acid change (threonine 85 retained).
Molecular consequence: synonymous variant.
Genome position (GRCh38, 1-based): chr15:89,671,560, T>C on the plus strand (A>G on the coding strand, the complement: PLIN1 is on the minus strand). VCF-style: chr15-89671560-T-C. GRCh37 (hg19) VCF-style: chr15-90214791-T-C.
Other names: c.255A>G, p.Thr85= (NM_001145311.2).
Identifiers: ClinVar variation 1879304 (VCV001879304.29), dbSNP rs1292268641, ClinGen allele CA492105694.

ClinVar aggregate classification (germline): Likely benign (1 of 4 stars; one submission).

Submission:

CeGaT Center for Human Genetics Tuebingen
Classification: Likely benign. Last evaluated: 2022-12-01. Review status: criteria provided, single submitter. Criteria: CeGaT Center For Human Genetics Tuebingen Variant Classification Criteria Version 2. Collection method: clinical testing. Allele origin: germline. Affected: yes. Observed: 1 variant allele.
Comment: PLIN1: BP4, BP7